The following is an entry in ClinVar:

ClinVar aggregate classification (germline): Likely benign (1 of 4 stars; one submission).

Allele frequency attached by ClinVar (database versions not stated): ExAC 0.00001; ESP Exome Variant Server 0.00017.

Submission:

CeGaT Center for Human Genetics Tuebingen
Classification: Likely benign. Last evaluated: 2023-07-01. Review status: criteria provided, single submitter. Criteria: CeGaT Center For Human Genetics Tuebingen Variant Classification Criteria Version 2. Collection method: clinical testing. Allele origin: germline. Affected: yes. Observed: 1 variant allele.
Comment: AHNAK2: BP4

NM_138420.4(AHNAK2):c.9649C>A (p.Leu3217Ile)

Gene: AHNAK2 (AHNAK nucleoprotein 2; minus strand). Cytogenetic location: 14q32.33.
Variant type: single nucleotide variant.
Coding change: c.9649C>A on transcript NM_138420.4 (MANE Select); coding-DNA position 9649, C replaced by A.
Protein change: p.Leu3217Ile; replaces leucine 3217 with isoleucine.
Molecular consequence: missense variant.
Genome position (GRCh38, 1-based): chr14:104,945,802, G>T on the plus strand (C>A on the coding strand, the complement: AHNAK2 is on the minus strand). VCF-style: chr14-104945802-G-T. GRCh37 (hg19) VCF-style: chr14-105412139-G-T.
Other names: c.9349C>A, p.Leu3117Ile (NM_001350929.2); short protein forms L3117I, L3217I.
Identifiers: ClinVar variation 2644686 (VCV002644686.24), dbSNP rs375931906, ClinGen allele CA7379535.